The following is an entry in ClinVar:

NM_000540.3(RYR1):c.4269C>T (p.Pro1423=)

Gene: RYR1 (ryanodine receptor 1; plus strand). Cytogenetic location: 19q13.2.
Variant type: single nucleotide variant.
Coding change: c.4269C>T on transcript NM_000540.3 (MANE Select); coding-DNA position 4269, C replaced by T.
Protein change: p.Pro1423=; no amino-acid change (proline 1423 retained).
Molecular consequence: synonymous variant.
Genome position (GRCh38, 1-based): chr19:38,475,426, C>T. VCF-style: chr19-38475426-C-T. GRCh37 (hg19) VCF-style: chr19-38966066-C-T.
Other names: c.4269C>T, p.Pro1423= (NM_001042723.2).
Identifiers: ClinVar variation 329023 (VCV000329023.62), dbSNP rs2229141, ClinGen allele CA065813.
Genomic context (GRCh38, chr19:38,475,426, plus strand): 5'-CACCCCCACGCTGCCCCGACTCCCTCACGACGTGGTGCCTGCAGACAACCGCGATGACCC[C>T]GAGATCATCCTCAACACCACCACGGTGTGGACCAGTAACCCTCAATTTTGGGGTCCCCCC-3'
Protein context (NP_000531.2, residues 1413-1433): DVVPADNRDD[Pro1423=]EIILNTTTYY

ClinVar aggregate classification (germline): Conflicting classifications of pathogenicity. Review status: criteria provided, conflicting classifications (1 of 4 stars). 10 submissions from 9 submitters: Uncertain significance (2); Likely benign (8). Last evaluated 2026-02-01.

Conditions:
RYR1-related disorder. Also called: RYR1-related condition; RYR1-related disorders. Identifiers: MedGen CN239331.
Inborn genetic diseases. Identifiers: MedGen C0950123, MeSH D030342.
Congenital multicore myopathy with external ophthalmoplegia (CMYO1B). Also called: Minicore myopathy with external ophthalmoplegia; MULTIMINICORE DISEASE WITH EXTERNAL OPHTHALMOPLEGIA; Congenital myopathy 1B, autosomal recessive; Minicore myopathy; MULTICORE MYOPATHY. Identifiers: Orphanet 598, Orphanet 98905, MedGen C1850674, MONDO:0009712, OMIM 255320, HP:0003789.
Malignant hyperthermia, susceptibility to, 1 (MHS1). Also called: Malignant hyperthermia suceptibility 1; RYR1-Related Malignant Hyperthermia Susceptibility; Anesthesia related hyperthermia; Malignant hyperpyrexia; Fulminating hyperpyrexia; Pharmacogenic myopathy. Identifiers: Orphanet 423, MedGen C2930980, MONDO:0007783, OMIM 145600.

Allele frequency attached by ClinVar (database versions not stated): TOPMed 0.00016.
gnomAD v4.1: 272 of 1,613,772 alleles (0.017%); highest among the groups gnomAD compares: Non-Finnish European, 0.021%; no homozygotes.

Submissions (10):

CeGaT Center for Human Genetics Tuebingen
Classification: Likely benign. Last evaluated: 2026-02-01. Review status: criteria provided, single submitter. Criteria: CeGaT Center For Human Genetics Tuebingen Variant Classification Criteria Version 2. Collection method: clinical testing. Allele origin: germline. Affected: yes. Observed: 4 variant alleles.
Comment: RYR1: BP4, BP7

Labcorp Genetics (formerly Invitae), Labcorp
Classification: Likely benign for RYR1-related disorder. Last evaluated: 2026-01-18. Review status: criteria provided, single submitter. Criteria: Invitae Variant Classification Sherloc (09022015). Collection method: clinical testing. Allele origin: germline.

Ambry Genetics
Classification: Likely benign for Inborn genetic diseases. Last evaluated: 2025-01-23. Review status: criteria provided, single submitter. Criteria: Ambry Variant Classification Scheme 2023. Collection method: clinical testing. Allele origin: germline.

Blueprint Genetics
Classification: Likely benign. Last evaluated: 2024-06-05. Review status: criteria provided, single submitter. Criteria: ACMG Guidelines, 2015. Collection method: clinical testing. Allele origin: germline.

All of Us Research Program, National Institutes of Health
Classification: Likely benign for Malignant hyperthermia, susceptibility to, 1. Last evaluated: 2024-02-05. Review status: criteria provided, single submitter. Criteria: ACMG Guidelines, 2015. Collection method: clinical testing. Allele origin: germline. Inheritance: Autosomal dominant inheritance. Observed: 52 variant alleles, 52 heterozygotes.
Comment: This study involves interpretation of variants in research participants for the purpose of population health screening. Participant phenotype was not available at the time of variant classification. Additional details can be found in publication PMID: 35346344, PMCID: PMC8962531

Color Diagnostics, LLC DBA Color Health
Classification: Likely benign for Malignant hyperthermia, susceptibility to, 1. Last evaluated: 2022-10-03. Review status: criteria provided, single submitter. Criteria: ACMG Guidelines, 2015. Collection method: clinical testing. Allele origin: germline.

GeneDx
Classification: Likely benign. Last evaluated: 2021-01-12. Review status: criteria provided, single submitter. Criteria: GeneDx Variant Classification Process June 2021. Collection method: clinical testing. Allele origin: germline. Affected: yes.

Illumina Laboratory Services, Illumina
Classification: Uncertain significance for Congenital multicore myopathy with external ophthalmoplegia. Last evaluated: 2018-01-13. Review status: criteria provided, single submitter. Criteria: ICSL Variant Classification Criteria 13 December 2019. Collection method: clinical testing. Allele origin: germline.

Illumina Laboratory Services, Illumina
Classification: Uncertain significance for Malignant hyperthermia, susceptibility to, 1. Last evaluated: 2018-01-13. Review status: criteria provided, single submitter. Criteria: ICSL Variant Classification Criteria 13 December 2019. Collection method: clinical testing. Allele origin: germline.

PreventionGenetics, part of Exact Sciences
Classification: Likely benign. Last evaluated: 2017-10-20. Review status: criteria provided, single submitter. Criteria: ACMG Guidelines, 2015. Collection method: clinical testing. Allele origin: germline.